The following is an entry in ClinVar:

ClinVar aggregate classification (germline): Likely pathogenic (1 of 4 stars; one submission).

Conditions:
DOCK2-related disorder. Also called: DOCK2-related condition.

Submission:

PreventionGenetics, part of Exact Sciences
Classification: Likely pathogenic for DOCK2-related condition. Last evaluated: 2026-07-07. Review status: criteria provided, single submitter. Criteria: ACMG Guidelines, 2015. Collection method: clinical testing. Allele origin: germline.
Comment: The DOCK2 c.3881G>A variant is predicted to result in premature protein termination (p.Trp1294*). To our knowledge, this variant has not been reported in the literature or in a large population database (gnomAD), indicating this variant is rare. Nonsense variants in DOCK2 are expected to be pathogenic. This variant is interpreted as likely pathogenic.

NM_004946.3(DOCK2):c.3881G>A (p.Trp1294Ter)

Gene: DOCK2 (dedicator of cytokinesis 2; plus strand). Cytogenetic location: 5q35.1.
Variant type: single nucleotide variant.
Coding change: c.3881G>A on transcript NM_004946.3 (MANE Select); coding-DNA position 3881, G replaced by A.
Protein change: p.Trp1294Ter; replaces tryptophan 1294 with a stop codon.
Molecular consequence: nonsense. On other transcripts: non-coding transcript variant (1).
Genome position (GRCh38, 1-based): chr5:170,045,820, G>A. VCF-style: chr5-170045820-G-A. GRCh37 (hg19) VCF-style: chr5-169472824-G-A.
Other names: short protein forms W1294*.
Identifiers: ClinVar variation 4995868 (VCV004995868.1).